The following is an entry in ClinVar:

NM_021930.6(RINT1):c.1718ATA[1] (p.Asn574del)

Gene: RINT1 (RAD50 interactor 1; plus strand). Cytogenetic location: 7q22.3.
Variant type: Microsatellite.
Coding change: c.1718ATA[1] on transcript NM_021930.6 (MANE Select); one copy of the 3-base unit ATA starting at c.1718; the reference has two copies in a row; one copy, 3 bases deleted.
Protein change: p.Asn574del; deletes asparagine 574.
Molecular consequence: inframe deletion. On other transcripts: non-coding transcript variant (1).
Genome position (GRCh38, 1-based): chr7:105,563,782-105,563,784, ATA deleted; deleting any 3 consecutive bases within chr7:105,563,778-105,563,784 gives the same sequence; the position shown is the placement nearest the transcript's 3' end. VCF-style (leftmost placement, unchanged base first): chr7-105563777-GAAT-G. GRCh37 (hg19) VCF-style: chr7-105204224-GAAT-G.
Other names: c.1484ATA[1], p.Asn496del (NM_001346599.2); c.695ATA[1], p.Asn233del (NM_001346600.2, NM_001346603.2); c.794ATA[1], p.Asn266del (NM_001346601.2); short protein forms N233del, N266del, N496del, N574del.
Identifiers: ClinVar variation 2850771 (VCV002850771.3), dbSNP rs1791555699, ClinGen allele CA1731751287.

ClinVar aggregate classification (germline): Uncertain significance (1 of 4 stars; one submission).

Submission:

Labcorp Genetics (formerly Invitae), Labcorp
Classification: Uncertain significance. Last evaluated: 2023-02-09. Review status: criteria provided, single submitter. Criteria: Invitae Variant Classification Sherloc (09022015). Collection method: clinical testing. Allele origin: germline.
Comment: This variant has not been reported in the literature in individuals affected with RINT1-related conditions. This variant, c.1721_1723del, results in the deletion of 1 amino acid(s) of the RINT1 protein (p.Asn574del), but otherwise preserves the integrity of the reading frame. This variant is not present in population databases (gnomAD no frequency). Experimental studies and prediction algorithms are not available or were not evaluated, and the functional significance of this variant is currently unknown. In summary, the available evidence is currently insufficient to determine the role of this variant in disease. Therefore, it has been classified as a Variant of Uncertain Significance.